The following is an entry in ClinVar:

ClinVar aggregate classification (germline): Likely benign (1 of 4 stars; one submission).

gnomAD v4.1: 8 of 1,614,154 alleles (0.0005%); highest among the groups gnomAD compares: South Asian, 0.0077%; no homozygotes.

Submission:

CeGaT Center for Human Genetics Tuebingen
Classification: Likely benign. Last evaluated: 2026-03-01. Review status: criteria provided, single submitter. Criteria: CeGaT Center For Human Genetics Tuebingen Variant Classification Criteria Version 2. Collection method: clinical testing. Allele origin: germline. Affected: yes. Observed: 1 variant allele.
Comment: MYCN: BP4, BP7

NM_005378.6(MYCN):c.870C>T (p.Asn290=)

Gene: MYCN (MYCN proto-oncogene, bHLH transcription factor; plus strand). Cytogenetic location: 2p24.3.
Variant type: single nucleotide variant.
Coding change: c.870C>T on transcript NM_005378.6 (MANE Select); coding-DNA position 870, C replaced by T.
Protein change: p.Asn290=; no amino-acid change (asparagine 290 retained).
Molecular consequence: synonymous variant. On other transcripts: 3 prime UTR variant (1).
Genome position (GRCh38, 1-based): chr2:15,945,572, C>T. VCF-style: chr2-15945572-C-T. GRCh37 (hg19) VCF-style: chr2-16085694-C-T.
Other names: c.870C>T, p.Asn290= (NM_001293228.2); c.237C>T, p.Asn79= (NM_001293231.2); c.*805C>T (NM_001293233.2).
Identifiers: ClinVar variation 4822623 (VCV004822623.4).